The following is an entry in ClinVar:

ClinVar aggregate classification (germline): Likely pathogenic (1 of 4 stars; one submission).

Submission:

GeneDx
Classification: Likely pathogenic. Last evaluated: 2016-06-09. Review status: criteria provided, single submitter. Criteria: GeneDx Variant Classification (06012015). Collection method: clinical testing. Allele origin: germline. Affected: yes.
Comment: The c.3733delT variant in the OTOGL gene has not been reported previously as a pathogenic variant nor as a benign variant, to our knowledge. The c.3733delT variant causes a frameshift starting with codon Tyrosine 1245, changes this amino acid to an Isoleucine residue, and creates a premature Stop codon at position 3 of the new reading frame, denoted p.Tyr1245IlefsX3. This variant is predicted to cause loss of normal protein function either through protein truncation or nonsense-mediated mRNA decay. The c.3733delT variant was not observed in approximately 5,800 individuals of European and African American ancestry in the NHLBI Exome Sequencing Project, indicating it is not a common benign variant in these populations. The c.3733delT variant is a strong candidate for a pathogenic variant, however, the possibility it may be a rare benign variant cannot be excluded.

NM_001378609.3(OTOGL):c.3760del (p.Tyr1254fs)

Gene: OTOGL (otogelin like; plus strand). Cytogenetic location: 12q21.31.
Variant type: Deletion.
Coding change: c.3760del on transcript NM_001378609.3 (MANE Select); coding-DNA position 3760, one base deleted (T; older notation c.3760delT).
Protein change: p.Tyr1254fs; shifts the reading frame from tyrosine 1254.
Molecular consequence: frameshift variant.
Genome position (GRCh38, 1-based): chr12:80,318,671, T deleted; the last of 7 consecutive T bases (chr12:80,318,665-80,318,671); deleting any one gives the same sequence. VCF-style (leftmost placement, unchanged base first): chr12-80318664-AT-A. GRCh37 (hg19) VCF-style: chr12-80712444-AT-A.
Other names: c.3625del, p.Tyr1209fs (NM_001368062.3); c.3760del, p.Tyr1254fs (NM_001378610.3, NM_173591.7); c.3733delT (NM_173591.3); short protein forms Y1209fs, Y1254fs.
Identifiers: ClinVar variation 421420 (VCV000421420.2), dbSNP rs1064795124, ClinGen allele CA16619591.